The following is an entry in ClinVar:

NM_031418.4(ANO3):c.1535C>T (p.Thr512Ile)

Gene: ANO3 (anoctamin 3; plus strand). Cytogenetic location: 11p14.2.
Variant type: single nucleotide variant.
Coding change: c.1535C>T on transcript NM_031418.4 (MANE Select); coding-DNA position 1535, C replaced by T.
Protein change: p.Thr512Ile; replaces threonine 512 with isoleucine.
Molecular consequence: missense variant.
Genome position (GRCh38, 1-based): chr11:26,598,862, C>T. VCF-style: chr11-26598862-C-T. GRCh37 (hg19) VCF-style: chr11-26620409-C-T.
Other names: c.1718C>T, p.Thr573Ile (NM_001313726.2); c.1097C>T, p.Thr366Ile (NM_001313727.2); short protein forms T366I, T512I, T573I.
Identifiers: ClinVar variation 1005363 (VCV001005363.8), dbSNP rs1851714950, ClinGen allele CA379940354.
Genomic context (GRCh38, chr11:26,598,862, plus strand): 5'-GTATGTTTTTTTAGTTTATGGCTTTGATATTTAGATAACTTTCGTTTCTCTCATAGGAAA[C>T]ACTTCGTCCCCAGTTTGAAGCCAAGTATTACAAGATGGAGATTGTAAATCCCATCACGGG-3'
Protein context (NP_113606.2, residues 502-522): DLIEWEEEEE[Thr512Ile]LRPQFEAKYY

ClinVar aggregate classification (germline): Uncertain significance (1 of 4 stars; one submission).

Conditions:
Dystonic disorder. Also called: Dystonia. Identifiers: MedGen C0013421, MONDO:0003441, HP:0001332.

Submission:

Labcorp Genetics (formerly Invitae), Labcorp
Classification: Uncertain significance for Dystonic disorder. Last evaluated: 2023-07-22. Review status: criteria provided, single submitter. Criteria: Invitae Variant Classification Sherloc (09022015). Collection method: clinical testing. Allele origin: germline.
Comment: Advanced modeling of protein sequence and biophysical properties (such as structural, functional, and spatial information, amino acid conservation, physicochemical variation, residue mobility, and thermodynamic stability) performed at Invitae indicates that this missense variant is not expected to disrupt ANO3 protein function. In summary, the available evidence is currently insufficient to determine the role of this variant in disease. Therefore, it has been classified as a Variant of Uncertain Significance. ClinVar contains an entry for this variant (Variation ID: 1005363). This variant has not been reported in the literature in individuals affected with ANO3-related conditions. This variant is not present in population databases (gnomAD no frequency). This sequence change replaces threonine, which is neutral and polar, with isoleucine, which is neutral and non-polar, at codon 512 of the ANO3 protein (p.Thr512Ile).